The following is an entry in ClinVar:

ClinVar aggregate classification (germline): Uncertain significance (1 of 4 stars; one submission).

Conditions:
Ornithine aminotransferase deficiency (GACR). Also called: HYPERORNITHINEMIA WITH GYRATE ATROPHY OF CHOROID AND RETINA; OAT DEFICIENCY; OKT DEFICIENCY; Ornithine ketoacid aminotransferase deficiency; Gyrate atrophy; Gyrate atrophy of choroid and retina. Identifiers: Orphanet 414, MedGen C0018425, MONDO:0009796, OMIM 258870.

Submission:

Labcorp Genetics (formerly Invitae), Labcorp
Classification: Uncertain significance for Ornithine aminotransferase deficiency. Last evaluated: 2022-09-19. Review status: criteria provided, single submitter. Criteria: Invitae Variant Classification Sherloc (09022015). Collection method: clinical testing. Allele origin: germline.
Comment: In summary, the available evidence is currently insufficient to determine the role of this variant in disease. Therefore, it has been classified as a Variant of Uncertain Significance. Advanced modeling of protein sequence and biophysical properties (such as structural, functional, and spatial information, amino acid conservation, physicochemical variation, residue mobility, and thermodynamic stability) performed at Invitae indicates that this missense variant is not expected to disrupt OAT protein function. ClinVar contains an entry for this variant (Variation ID: 1374155). This variant has not been reported in the literature in individuals affected with OAT-related conditions. This variant is not present in population databases (gnomAD no frequency). This sequence change replaces lysine, which is basic and polar, with glutamic acid, which is acidic and polar, at codon 362 of the OAT protein (p.Lys362Glu).

NM_000274.4(OAT):c.1084A>G (p.Lys362Glu)

Gene: OAT (ornithine aminotransferase; minus strand). Cytogenetic location: 10q26.13.
Variant type: single nucleotide variant.
Coding change: c.1084A>G on transcript NM_000274.4 (MANE Select); coding-DNA position 1084, A replaced by G.
Protein change: p.Lys362Glu; replaces lysine 362 with glutamic acid.
Molecular consequence: missense variant.
Genome position (GRCh38, 1-based): chr10:124,400,915, T>C on the plus strand (A>G on the coding strand, the complement: OAT is on the minus strand). VCF-style: chr10-124400915-T-C. GRCh37 (hg19) VCF-style: chr10-126089484-T-C.
Other names: c.670A>G, p.Lys224Glu (NM_001171814.2); c.1084A>G, p.Lys362Glu (NM_001322965.2, NM_001322966.2, NM_001322967.2 and 3 more transcripts); c.763A>G, p.Lys255Glu (NM_001322971.2); c.484A>G, p.Lys162Glu (NM_001322974.2); short protein forms K362E, K162E, K224E, K255E.
Identifiers: ClinVar variation 1374155 (VCV001374155.8), dbSNP rs2134450586, ClinGen allele CA378633656.